The following is an entry in ClinVar:

NM_018263.6(ASXL2):c.2345C>T (p.Thr782Ile)

Gene: ASXL2 (ASXL transcriptional regulator 2; minus strand). Cytogenetic location: 2p23.3.
Variant type: single nucleotide variant.
Coding change: c.2345C>T on transcript NM_018263.6 (MANE Select); coding-DNA position 2345, C replaced by T.
Protein change: p.Thr782Ile; replaces threonine 782 with isoleucine.
Molecular consequence: missense variant.
Genome position (GRCh38, 1-based): chr2:25,743,992, G>A on the plus strand (C>T on the coding strand, the complement: ASXL2 is on the minus strand). VCF-style: chr2-25743992-G-A. GRCh37 (hg19) VCF-style: chr2-25966861-G-A.
Other names: c.2171C>T, p.Thr724Ile (NM_001369346.1); c.1565C>T, p.Thr522Ile (NM_001369347.1); short protein forms T522I, T724I, T782I.
Identifiers: ClinVar variation 3011988 (VCV003011988.3), dbSNP rs773362417, ClinGen allele CA1557656.

ClinVar aggregate classification (germline): Uncertain significance (1 of 4 stars; one submission).

Allele frequency attached by ClinVar (database versions not stated): ExAC 0.00002.
gnomAD v4.1: 4 of 1,614,038 alleles (0.00025%); highest among the groups gnomAD compares: Non-Finnish European, 0.00025%; no homozygotes.

Submission:

Labcorp Genetics (formerly Invitae), Labcorp
Classification: Uncertain significance. Last evaluated: 2023-03-04. Review status: criteria provided, single submitter. Criteria: Invitae Variant Classification Sherloc (09022015). Collection method: clinical testing. Allele origin: germline.
Comment: In summary, the available evidence is currently insufficient to determine the role of this variant in disease. Therefore, it has been classified as a Variant of Uncertain Significance. Advanced modeling of protein sequence and biophysical properties (such as structural, functional, and spatial information, amino acid conservation, physicochemical variation, residue mobility, and thermodynamic stability) performed at Invitae indicates that this missense variant is not expected to disrupt ASXL2 protein function. This variant has not been reported in the literature in individuals affected with ASXL2-related conditions. This variant is present in population databases (rs773362417, gnomAD 0.004%). This sequence change replaces threonine, which is neutral and polar, with isoleucine, which is neutral and non-polar, at codon 782 of the ASXL2 protein (p.Thr782Ile).